The following is an entry in ClinVar:

ClinVar aggregate classification (germline): Uncertain significance. Review status: criteria provided, multiple submitters, no conflicts (2 of 4 stars). 2 submissions from 2 submitters: Uncertain significance (2). Last evaluated 2024-12-17.

Conditions:
Inborn genetic diseases. Identifiers: MedGen C0950123, MeSH D030342.
Acute myeloid leukemia (AML). Also called: Acute myeloid leukemia, adult; AML adult; Acute non-lymphocytic leukemia; Acute granulocytic leukemia; Leukemia, acute myeloid, somatic; Leukemia, acute myelogenous, somatic. Identifiers: Orphanet 519, MedGen C0023467, MeSH D015470, MONDO:0018874, OMIM 601626, HP:0004808. Disease mechanism: Constitutively activated FLT3.

Submissions (2):

Ambry Genetics
Classification: Uncertain significance for Inborn genetic diseases. Last evaluated: 2024-12-17. Review status: criteria provided, single submitter. Criteria: Ambry Variant Classification Scheme 2023. Collection method: clinical testing. Allele origin: germline.
Comment: The c.574_575insTGCACC variant (also known as p.H191_P192insLH), located in coding exon 1 of the CEBPA gene, results from an in-frame TGCACC insertion at nucleotide positions 574 to 575. This results in the insertion of two extra residues (LH) between codons 191 and 192. This amino acid region is conserved on limited sequence alignment. In addition, this alteration is predicted to be neutral by in silico analysis (Choi Y et al. PLoS ONE. 2012; 7(10):e46688). Based on the available evidence, the clinical significance of this variant remains unclear.

Baylor Genetics
Classification: Uncertain significance for Acute myeloid leukemia. Last evaluated: 2024-02-06. Review status: criteria provided, single submitter. Criteria: ACMG Guidelines, 2015. Collection method: clinical testing. Allele origin: unknown.

NM_004364.5(CEBPA):c.574_575insTGCACC (p.His191_Pro192insLeuHis)

Gene: CEBPA (CCAAT enhancer binding protein alpha; minus strand). Cytogenetic location: 19q13.11.
Variant type: Insertion.
Coding change: c.574_575insTGCACC on transcript NM_004364.5 (MANE Select); coding-DNA positions 574 to 575, TGCACC inserted.
Protein change: p.His191_Pro192insLeuHis.
Molecular consequence: inframe insertion.
Genome position: GRCh38 VCF-style: chr19-33301840-G-GGGTGCA. GRCh37 (hg19) VCF-style: chr19-33792746-G-GGGTGCA.
Other names: c.217_218insTGCACC, p.His72_Pro73insLeuHis (NM_001285829.2); c.679_680insTGCACC, p.His226_Pro227insLeuHis (NM_001287424.2); c.532_533insTGCACC, p.His177_Pro178insLeuHis (NM_001287435.2); c.574_575insTGCACC (NM_004364.3).
Identifiers: ClinVar variation 3241079 (VCV003241079.2), dbSNP rs2513330370.